The following is an entry in ClinVar:

ClinVar aggregate classification (germline): Uncertain significance (1 of 4 stars; one submission).

gnomAD v4.1: 1 of 1,613,928 alleles (0.000062%); highest among the groups gnomAD compares: Non-Finnish European, 0.000085%; no homozygotes.

Submission:

Labcorp Genetics (formerly Invitae), Labcorp
Classification: Uncertain significance. Last evaluated: 2025-02-19. Review status: criteria provided, single submitter. Criteria: Invitae Variant Classification Sherloc (09022015). Collection method: clinical testing. Allele origin: germline.
Comment: This sequence change replaces tryptophan, which is neutral and slightly polar, with arginine, which is basic and polar, at codon 423 of the FLI1 protein (p.Trp423Arg). This variant is not present in population databases (gnomAD no frequency). This variant has not been reported in the literature in individuals affected with FLI1-related conditions. Invitae Evidence Modeling of protein sequence and biophysical properties (such as structural, functional, and spatial information, amino acid conservation, physicochemical variation, residue mobility, and thermodynamic stability) has been performed for this missense variant. However, the output from this modeling did not meet the statistical confidence thresholds required to predict the impact of this variant on FLI1 protein function. In summary, the available evidence is currently insufficient to determine the role of this variant in disease. Therefore, it has been classified as a Variant of Uncertain Significance.

NM_002017.5(FLI1):c.1267T>C (p.Trp423Arg)

Gene: FLI1 (Fli-1 proto-oncogene, ETS transcription factor; plus strand). Cytogenetic location: 11q24.3.
Variant type: single nucleotide variant.
Coding change: c.1267T>C on transcript NM_002017.5 (MANE Select); coding-DNA position 1267, T replaced by C.
Protein change: p.Trp423Arg; replaces tryptophan 423 with arginine.
Molecular consequence: missense variant.
Genome position (GRCh38, 1-based): chr11:128,810,896, T>C. VCF-style: chr11-128810896-T-C. GRCh37 (hg19) VCF-style: chr11-128680791-T-C.
Other names: c.1168T>C, p.Trp390Arg (NM_001167681.3, NM_001440369.1, NM_001440370.1 and 1 more transcripts); c.1069T>C, p.Trp357Arg (NM_001271010.2); c.688T>C, p.Trp230Arg (NM_001271012.2); c.1141T>C, p.Trp381Arg (NM_001440372.1); short protein forms W381R, W390R, W357R, W230R, W423R.
Identifiers: ClinVar variation 4780030 (VCV004780030.1).